The following is an entry in ClinVar:

NM_001001331.4(ATP2B2):c.617C>A (p.Ala206Asp)

Gene: ATP2B2 (ATPase plasma membrane Ca2+ transporting 2; minus strand). Cytogenetic location: 3p25.3.
Variant type: single nucleotide variant.
Coding change: c.617C>A on transcript NM_001001331.4 (MANE Select); coding-DNA position 617, C replaced by A.
Protein change: p.Ala206Asp; replaces alanine 206 with aspartic acid.
Molecular consequence: missense variant.
Genome position (GRCh38, 1-based): chr3:10,402,129, G>T on the plus strand (C>A on the coding strand, the complement: ATP2B2 is on the minus strand). VCF-style: chr3-10402129-G-T. GRCh37 (hg19) VCF-style: chr3-10443813-G-T.
Other names: c.617C>A, p.Ala206Asp (NM_001330611.3, NM_001353564.1, NM_001363862.1 and 1 more transcripts); short protein forms A206D.
Identifiers: ClinVar variation 3373234 (VCV003373234.2).
Genomic context (GRCh38, chr3:10,402,129, plus strand): 5'-GCTCTGTGGCTGGGACACTTACCATATTTGACCTGGGCTATGTCCCCAACCACGATCTCA[G>T]CCACAGGGATCTGGACCACCTGGCCAGCCCGGACCACGGTAAATTTCTGTTCCTGCTCGA-3'
Protein context (NP_001001331.1, residues 196-216): RAGQVVQIPV[Ala206Asp]EIVVGDIAQV

ClinVar aggregate classification (germline): Uncertain significance. Review status: criteria provided, multiple submitters, no conflicts (2 of 4 stars). 2 submissions from 2 submitters: Uncertain significance (2). Last evaluated 2024-10-07.

gnomAD v4.1: 1 of 1,614,124 alleles (0.000062%); highest among the groups gnomAD compares: Non-Finnish European, 0.000085%; no homozygotes.

Submissions (2):

Ambry Genetics
Classification: Uncertain significance. Last evaluated: 2024-10-07. Review status: criteria provided, single submitter. Criteria: Ambry Variant Classification Scheme 2023. Collection method: clinical testing. Allele origin: germline.

GeneDx
Classification: Uncertain significance. Last evaluated: 2024-04-29. Review status: criteria provided, single submitter. Criteria: GeneDx Variant Classification Process June 2021. Collection method: clinical testing. Allele origin: germline. Affected: yes.
Comment: Not observed at significant frequency in large population cohorts (gnomAD); In silico analysis supports that this missense variant has a deleterious effect on protein structure/function; Has not been previously published as pathogenic or benign to our knowledge